The following is an entry in ClinVar:

ClinVar aggregate classification (germline): Likely benign (1 of 4 stars; one submission).

Conditions:
Familial cancer of breast. Also called: BREAST CANCER, FAMILIAL; Hereditary breast cancer; hereditary breast carcinoma. Identifiers: Orphanet 227535, MedGen C0346153, MONDO:0016419, OMIM 114480. Disease mechanism: loss of function.

Allele frequency attached by ClinVar (database versions not stated): gnomAD exomes below 0.00001.
gnomAD v4.1: 1 of 1,605,446 alleles (0.000062%); highest among the groups gnomAD compares: South Asian, 0.0011%; no homozygotes.

Submission:

Myriad Genetics, Inc.
Classification: Likely benign for Familial cancer of breast. Last evaluated: 2024-05-13. Review status: criteria provided, single submitter. Criteria: Myriad Autosomal Dominant, Autosomal Recessive and X-Linked Classification Criteria (2023). Collection method: clinical testing. Allele origin: unknown.
Comment: This variant is considered likely benign. This variant is intronic and is not expected to impact mRNA splicing.

NM_000051.4(ATM):c.3078-8G>T

Gene: ATM (ATM serine/threonine kinase; plus strand). Cytogenetic location: 11q22.3.
Variant type: single nucleotide variant.
Coding change: c.3078-8G>T on transcript NM_000051.4 (MANE Select); 8 bases into the intron before coding-DNA position 3078, G replaced by T.
Molecular consequence: intron variant.
Genome position (GRCh38, 1-based): chr11:108,272,524, G>T. VCF-style: chr11-108272524-G-T. GRCh37 (hg19) VCF-style: chr11-108143251-G-T.
Other names: c.3078-8G>T (NM_001351834.2).
Identifiers: ClinVar variation 3254048 (VCV003254048.1), dbSNP rs2135564786.